The following is an entry in ClinVar:

ClinVar aggregate classification (germline): Uncertain significance (1 of 4 stars; one submission).

Conditions:
Congenital contractural arachnodactyly (CCA). Also called: Arthrogryposis, distal, type 9; BEALS SYNDROME; Beals-Hecht syndrome. Identifiers: Orphanet 115, MedGen C0220668, MONDO:0007363, OMIM 121050.

Submission:

Labcorp Genetics (formerly Invitae), Labcorp
Classification: Uncertain significance for Congenital contractural arachnodactyly. Last evaluated: 2025-02-26. Review status: criteria provided, single submitter. Criteria: Invitae Variant Classification Sherloc (09022015). Collection method: clinical testing. Allele origin: germline.
Comment: This sequence change affects a donor splice site in intron 11 of the FBN2 gene. It is expected to disrupt RNA splicing. Variants that disrupt the donor or acceptor splice site typically lead to a loss of protein function (PMID: 16199547), however the current clinical and genetic evidence is not sufficient to establish whether loss-of-function variants in FBN2 cause disease. This variant is not present in population databases (gnomAD no frequency). Disruption of this splice site has been observed in individual(s) with clinical features of FBN2-related conditions (internal data). Algorithms developed to predict the effect of sequence changes on RNA splicing suggest that this variant may disrupt the consensus splice site. In summary, the available evidence is currently insufficient to determine the role of this variant in disease. Therefore, it has been classified as a Variant of Uncertain Significance.

Literature cited by the submitters: PubMed 16199547.

NM_001999.4(FBN2):c.1603+1G>T

Gene: FBN2 (fibrillin 2; minus strand). Cytogenetic location: 5q23.3.
Variant type: single nucleotide variant.
Coding change: c.1603+1G>T on transcript NM_001999.4 (MANE Select); the canonical splice donor site of the intron after coding-DNA position 1603, G replaced by T.
Molecular consequence: splice donor variant.
Genome position (GRCh38, 1-based): chr5:128,392,017, C>A on the plus strand (G>T on the coding strand, the complement: FBN2 is on the minus strand). VCF-style: chr5-128392017-C-A. GRCh37 (hg19) VCF-style: chr5-127727710-C-A.
Identifiers: ClinVar variation 4713926 (VCV004713926.1).